The following is an entry in ClinVar:

NC_000005.10:g.(?_112815478)_(112822001_?)del

Gene: APC (APC regulator of Wnt signaling pathway; plus strand). Cytogenetic location: 5q22.2.
Variant type: Deletion.
Identifiers: ClinVar variation 832097 (VCV000832097.5).

ClinVar aggregate classification (germline): Pathogenic. Review status: criteria provided, single submitter (1 of 4 stars). 2 submissions from 1 submitter: Pathogenic (1). 1 of the submissions does not count toward it. Last evaluated 2023-04-23.

Conditions:
Familial adenomatous polyposis 1 (FAP1). Also called: POLYPOSIS, ADENOMATOUS INTESTINAL; FAMILIAL ADENOMATOUS POLYPOSIS 1, ATTENUATED. Identifiers: MedGen C2713442, MONDO:0021056, OMIM 175100. Disease mechanism: loss of function.

Submissions (2):

Labcorp Genetics (formerly Invitae), Labcorp
Classification: Pathogenic for Familial adenomatous polyposis 1. Last evaluated: 2023-04-23. Review status: criteria provided, single submitter. Criteria: Invitae Variant Classification Sherloc (09022015). Collection method: clinical testing. Allele origin: germline.
Comment: This variant is a gross deletion of the genomic region encompassing exon(s) 9-11 of the APC gene. This deletion is out-of-frame, and is expected to create a premature termination codon and result in an absent or disrupted protein product. Loss-of-function variants in APC are known to be pathogenic (PMID: 17963004, 20685668). For these reasons, this variant has been classified as Pathogenic. This variant is also known as a deletion of exons 8-10. A similar copy number variant has been observed in individual(s) with familial adenomatous polyposis (PMID: 23159591).

Labcorp Genetics (formerly Invitae), Labcorp
Classification: Pathogenic for Familial adenomatous polyposis 1. Last evaluated: 2019-09-05. Review status: flagged submission. Criteria: Invitae Variant Classification Sherloc (09022015). Collection method: clinical testing. Allele origin: germline. Not counted in ClinVar's aggregate classification.
Comment: This variant is an out-of-frame deletion of the genomic region encompassing exons 9-11 of the APC gene. This is expected to create a premature translational stop signal and result in an absent or disrupted protein product. A similar deletion of exons 9-11 has been observed in an individual affected with familial adenomatous polyposis (PMID: 23159591). A deletion of exons 9-11 is also known as a deletion of exons 8-10 in the literature. Loss-of-function variants in APC are known to be pathogenic (PMID: 17963004, 20685668). For these reasons, this variant has been classified as Pathogenic.
ClinVar note: Reason: This record appears to be redundant with a more recent record from the same submitter.
ClinVar note: Notes: SCV001195922 appears to be redundant with SCV002164834.

Literature cited by the submitters: PubMed 17963004; PubMed 20685668; PubMed 23159591.